The following is an entry in ClinVar:

NM_014874.4(MFN2):c.1846A>G (p.Met616Val)

Gene: MFN2 (mitofusin 2; plus strand). Cytogenetic location: 1p36.22.
Variant type: single nucleotide variant.
Coding change: c.1846A>G on transcript NM_014874.4 (MANE Select); coding-DNA position 1846, A replaced by G.
Protein change: p.Met616Val; replaces methionine 616 with valine.
Molecular consequence: missense variant.
Genome position (GRCh38, 1-based): chr1:12,006,667, A>G. VCF-style: chr1-12006667-A-G. GRCh37 (hg19) VCF-style: chr1-12066724-A-G.
Other names: c.1846A>G, p.Met616Val (NM_001127660.2); short protein forms M616V.
Identifiers: ClinVar variation 1403810 (VCV001403810.8), dbSNP rs753132224, ClinGen allele CA599233.

ClinVar aggregate classification (germline): Uncertain significance (1 of 4 stars; one submission).

Conditions:
Charcot-Marie-Tooth disease type 2. Also called: Charcot-Marie-Tooth type 2. Identifiers: Orphanet 64746, MedGen C0270914, MONDO:0018993.

Allele frequency attached by ClinVar (database versions not stated): gnomAD exomes below 0.00001; TOPMed below 0.00001; ExAC 0.00001.
gnomAD v4.1: 2 of 1,553,486 alleles (0.00013%); highest among the groups gnomAD compares: Non-Finnish European, 0.00017%; no homozygotes.

Submission:

Labcorp Genetics (formerly Invitae), Labcorp
Classification: Uncertain significance for Charcot-Marie-Tooth disease type 2. Last evaluated: 2024-03-13. Review status: criteria provided, single submitter. Criteria: Invitae Variant Classification Sherloc (09022015). Collection method: clinical testing. Allele origin: germline.
Comment: This sequence change replaces methionine, which is neutral and non-polar, with valine, which is neutral and non-polar, at codon 616 of the MFN2 protein (p.Met616Val). This variant is present in population databases (rs753132224, gnomAD 0.007%). This variant has not been reported in the literature in individuals affected with MFN2-related conditions. ClinVar contains an entry for this variant (Variation ID: 1403810). Advanced modeling of protein sequence and biophysical properties (such as structural, functional, and spatial information, amino acid conservation, physicochemical variation, residue mobility, and thermodynamic stability) has been performed at Invitae for this missense variant, however the output from this modeling did not meet the statistical confidence thresholds required to predict the impact of this variant on MFN2 protein function. In summary, the available evidence is currently insufficient to determine the role of this variant in disease. Therefore, it has been classified as a Variant of Uncertain Significance.